The following is an entry in ClinVar:

NM_001035.3(RYR2):c.1150A>G (p.Met384Val)

Gene: RYR2 (ryanodine receptor 2; plus strand). Cytogenetic location: 1q43.
Variant type: single nucleotide variant.
Coding change: c.1150A>G on transcript NM_001035.3 (MANE Select); coding-DNA position 1150, A replaced by G.
Protein change: p.Met384Val; replaces methionine 384 with valine.
Molecular consequence: missense variant.
Genome position (GRCh38, 1-based): chr1:237,441,463, A>G. VCF-style: chr1-237441463-A-G. GRCh37 (hg19) VCF-style: chr1-237604763-A-G.
Other names: short protein forms M384V.
Identifiers: ClinVar variation 3385666 (VCV003385666.1).

ClinVar aggregate classification (germline): Uncertain significance (1 of 4 stars; one submission).

Conditions:
Catecholaminergic polymorphic ventricular tachycardia (CVPT). Also called: Catecholamine-induced polymorphic ventricular tachycardia. Identifiers: Orphanet 3286, MedGen C5574922, MONDO:0017990.

Submission:

All of Us Research Program, National Institutes of Health
Classification: Uncertain significance for Catecholaminergic polymorphic ventricular tachycardia. Last evaluated: 2024-08-13. Review status: criteria provided, single submitter. Criteria: ACMG Guidelines, 2015. Collection method: clinical testing. Allele origin: germline. Inheritance: Autosomal dominant inheritance. Observed: 1 variant allele, 1 heterozygote.
Comment: This missense variant replaces methionine with valine at codon 384 of the RYR2 protein. Computational prediction suggests that this variant may not impact protein structure and function. To our knowledge, functional studies have not been reported for this variant. This variant has not been reported in individuals affected with RYR2-related disorders in the literature. This variant has not been identified in the general population by the Genome Aggregation Database (gnomAD). The available evidence is insufficient to determine the role of this variant in disease conclusively. Therefore, this variant is classified as a Variant of Uncertain Significance.

This study involves interpretation of variants in research participants for the purpose of population health screening. Participant phenotype was not available at the time of variant classification. Additional details can be found in publication PMID: 35346344, PMCID: PMC8962531